The following is an entry in ClinVar:

NM_007294.4(BRCA1):c.1428_1437del (p.His476fs)

Gene: BRCA1 (BRCA1 DNA repair associated; minus strand). Cytogenetic location: 17q21.31.
Variant type: Deletion.
Coding change: c.1428_1437del on transcript NM_007294.4 (MANE Select); coding-DNA positions 1428 to 1437, 10 bases deleted (TGTAACTGAA; older notation c.1428_1437delTGTAACTGAA).
Protein change: p.His476fs; shifts the reading frame from histidine 476.
Molecular consequence: frameshift variant. On other transcripts: intron variant (137).
Genome position (GRCh38, 1-based): chr17:43,094,094-43,094,103, TTCAGTTACA deleted on the plus strand (TGTAACTGAA on the coding strand, the reverse complement: BRCA1 is on the minus strand); deleting any 10 consecutive bases within chr17:43,094,094-43,094,104 gives the same sequence; the c. name uses the placement nearest the transcript's 3' end. VCF-style (leftmost placement, unchanged base first): chr17-43094093-TTTCAGTTACA-T. GRCh37 (hg19) VCF-style: chr17-41246110-TTTCAGTTACA-T.
Other names: 1547del10; c.1428_1437del10 (NM_007294.3); c.1425_1434del, p.His475fs (NM_001407637.1, NM_001407638.1, NM_001407644.1 and 22 more transcripts); c.1428_1437del, p.His476fs (NM_001407639.1, NM_001407640.1, NM_001407641.1 and 30 more transcripts); c.1419_1428del, p.His473fs (NM_001407646.1, NM_001407647.1); c.1305_1314del, p.His435fs (NM_001407648.1, NM_001407664.1, NM_001407665.1 and 19 more transcripts); c.1302_1311del, p.His434fs (NM_001407649.1, NM_001407670.1, NM_001407671.1 and 11 more transcripts); c.1350_1359del, p.His450fs (NM_001407653.1, NM_001407654.1, NM_001407655.1 and 4 more transcripts); and 43 more; short protein forms H429fs, H476fs, H348fs, H349fs, H387fs, H449fs, H450fs, H473fs.
Identifiers: ClinVar variation 266168 (VCV000266168.9), dbSNP rs886039953, ClinGen allele CA10589937.

ClinVar aggregate classification (germline): Pathogenic. Review status: reviewed by expert panel (3 of 4 stars). 3 submissions from 3 submitters: Pathogenic (1). 2 of the submissions do not count toward it. Last evaluated 2016-10-18.

Conditions:
Hereditary cancer-predisposing syndrome. Also called: Hereditary Cancer Syndrome; Neoplastic Syndromes, Hereditary; Hereditary neoplastic syndrome; Tumor predisposition. Identifiers: Orphanet 140162, MedGen C0027672, MeSH D009386, MONDO:0015356.
Breast-ovarian cancer, familial, susceptibility to, 1 (BROVCA1). Also called: BRCA1 Hereditary Breast and Ovarian Cancer; OVARIAN CANCER, SUSCEPTIBILITY TO. Identifiers: Orphanet 145, MedGen C2676676, MONDO:0011450, OMIM 604370. Disease mechanism: loss of function.

Submissions (3):

Evidence-based Network for the Interpretation of Germline Mutant Alleles (ENIGMA)
Classification: Pathogenic for Breast-ovarian cancer, familial, susceptibility to, 1. Last evaluated: 2016-10-18. Review status: reviewed by expert panel. Criteria: ENIGMA BRCA1/2 Classification Criteria (2015). Collection method: curation. Allele origin: germline.
Comment: Variant allele predicted to encode a truncated non-functional protein.

Ambry Genetics
Classification: Pathogenic for Hereditary cancer-predisposing syndrome. Last evaluated: 2020-10-29. Review status: criteria provided, single submitter. Criteria: Ambry Variant Classification Scheme 2023. Collection method: clinical testing. Allele origin: germline. Not counted in ClinVar's aggregate classification.
Comment: The c.1428_1437del10 pathogenic mutation, located in coding exon 9 of the BRCA1 gene, results from a deletion of 10 nucleotides at nucleotide positions 1428 to 1437, causing a translational frameshift with a predicted alternate stop codon (p.H476Qfs*3). This alteration was identified in a large, worldwide study of BRCA1/2 mutation positive families (Rebbeck TR et al. Hum Mutat, 2018 05;39:593-620). In addition to the clinical data presented in the literature, this alteration is expected to result in loss of function by premature protein truncation or nonsense-mediated mRNA decay. As such, this alteration is interpreted as a disease-causing mutation.

Consortium of Investigators of Modifiers of BRCA1/2 (CIMBA), c/o University of Cambridge
Classification: Pathogenic for Breast-ovarian cancer, familial, susceptibility to, 1. Last evaluated: 2015-10-02. Review status: criteria provided, single submitter. Criteria: CIMBA Mutation Classification guidelines May 2016. Collection method: clinical testing. Allele origin: germline. Not counted in ClinVar's aggregate classification.

Literature cited by the submitters: PubMed 29446198 (cited by Ambry Genetics).